The following is an entry in ClinVar:

ClinVar aggregate classification (germline): Uncertain significance (1 of 4 stars; one submission).

Allele frequency attached by ClinVar (database versions not stated): ExAC 0.00002; gnomAD exomes 0.00002.
gnomAD v4.1: 18 of 1,614,052 alleles (0.0011%); highest among the groups gnomAD compares: East Asian, 0.036%; no homozygotes.

Submission:

Labcorp Genetics (formerly Invitae), Labcorp
Classification: Uncertain significance. Last evaluated: 2024-08-17. Review status: criteria provided, single submitter. Criteria: Invitae Variant Classification Sherloc (09022015). Collection method: clinical testing. Allele origin: germline.
Comment: This sequence change replaces isoleucine, which is neutral and non-polar, with methionine, which is neutral and non-polar, at codon 98 of the NSMCE3 protein (p.Ile98Met). This variant is present in population databases (rs756181366, gnomAD 0.03%). This variant has not been reported in the literature in individuals affected with NSMCE3-related conditions. ClinVar contains an entry for this variant (Variation ID: 1392878). Invitae Evidence Modeling of protein sequence and biophysical properties (such as structural, functional, and spatial information, amino acid conservation, physicochemical variation, residue mobility, and thermodynamic stability) indicates that this missense variant is not expected to disrupt NSMCE3 protein function with a negative predictive value of 80%. In summary, the available evidence is currently insufficient to determine the role of this variant in disease. Therefore, it has been classified as a Variant of Uncertain Significance.

NM_138704.4(NSMCE3):c.294T>G (p.Ile98Met)

Genes: ENTREP2 (endosomal transmembrane epsin interactor 2; minus strand), NSMCE3 (NSE3 component of SMC5/6 complex; minus strand). Cytogenetic location: 15q13.1.
Variant type: single nucleotide variant.
Coding change: c.294T>G on transcript NM_138704.4 (MANE Select); coding-DNA position 294, T replaced by G.
Protein change: p.Ile98Met; replaces isoleucine 98 with methionine.
Molecular consequence: missense variant. On other transcripts: intron variant (5).
Genome position (GRCh38, 1-based): chr15:29,269,412, A>C on the plus strand (T>G on the coding strand, the complement: NSMCE3 is on the minus strand). VCF-style: chr15-29269412-A-C. GRCh37 (hg19) VCF-style: chr15-29561616-A-C.
Other names: c.-12-16934T>G (NM_001387217.1, NM_001387215.1, NM_001387216.1); c.277-16934T>G (NM_001387214.1, NM_015307.2); short protein forms I98M.
Identifiers: ClinVar variation 1392878 (VCV001392878.5), dbSNP rs756181366, ClinGen allele CA7446168.